The following is an entry in ClinVar:

NM_052947.4(ALPK2):c.5782G>T (p.Gly1928Trp)

Gene: ALPK2 (alpha kinase 2; minus strand). Cytogenetic location: 18q21.31.
Variant type: single nucleotide variant.
Coding change: c.5782G>T on transcript NM_052947.4 (MANE Select); coding-DNA position 5782, G replaced by T.
Protein change: p.Gly1928Trp; replaces glycine 1928 with tryptophan.
Molecular consequence: missense variant.
Genome position (GRCh38, 1-based): chr18:58,517,066, C>A on the plus strand (G>T on the coding strand, the complement: ALPK2 is on the minus strand). VCF-style: chr18-58517066-C-A. GRCh37 (hg19) VCF-style: chr18-56184298-C-A.
Other names: short protein forms G1928W.
Identifiers: ClinVar variation 3289959 (VCV003289959.1).
Genomic context (GRCh38, chr18:58,517,066, plus strand): 5'-GTTTGAAGACAGGCATGAGGCCGTGCATCACTGTGCTGCGGAAGGCTTTGCGGTGAACCC[C>A]TTCTCCAAAGTGCAGCTCCTCCGTGGCGATCTGACCACGCAGGCGGCCCCCAAAGTAGCT-3'
Protein context (NP_443179.3, residues 1918-1938): IATEELHFGE[Gly1928Trp]VHRKAFRSTV

ClinVar aggregate classification (germline): Uncertain significance (1 of 4 stars; one submission).

Submission:

Ambry Genetics
Classification: Uncertain significance. Last evaluated: 2024-04-05. Review status: criteria provided, single submitter. Criteria: Ambry Variant Classification Scheme 2023. Collection method: clinical testing. Allele origin: germline.
Comment: The p.G1928W variant (also known as c.5782G>T), located in coding exon 8 of the ALPK2 gene, results from a G to T substitution at nucleotide position 5782. The glycine at codon 1928 is replaced by tryptophan, an amino acid with highly dissimilar properties. This amino acid position is conserved. In addition, the in silico prediction for this alteration is inconclusive. Based on the available evidence, the clinical significance of this variant remains unclear.